The following is an entry in ClinVar:

NM_001365536.1(SCN9A):c.5141A>T (p.Asp1714Val)

Genes: SCN1A-AS1 (SCN1A and SCN9A antisense RNA 1; plus strand), SCN9A (sodium voltage-gated channel alpha subunit 9; minus strand). Cytogenetic location: 2q24.3.
Variant type: single nucleotide variant.
Coding change: c.5141A>T on transcript NM_001365536.1 (MANE Select); coding-DNA position 5141, A replaced by T.
Protein change: p.Asp1714Val; replaces aspartic acid 1714 with valine.
Molecular consequence: missense variant.
Genome position (GRCh38, 1-based): chr2:166,199,498, T>A on the plus strand (A>T on the coding strand, the complement: SCN9A is on the minus strand). VCF-style: chr2-166199498-T-A. GRCh37 (hg19) VCF-style: chr2-167056008-T-A.
Other names: c.5108A>T, p.Asp1703Val (NM_002977.4); short protein forms D1703V, D1714V.
Identifiers: ClinVar variation 3756374 (VCV003756374.2).

ClinVar aggregate classification (germline): Uncertain significance (1 of 4 stars; one submission).

Conditions:
Neuropathy, hereditary sensory and autonomic, type 2A (HSAN2A). Also called: MORVAN DISEASE; NEUROPATHY, CONGENITAL SENSORY; NEUROPATHY, HEREDITARY SENSORY RADICULAR, AUTOSOMAL RECESSIVE; NEUROPATHY, HEREDITARY SENSORY, TYPE IIA; NEUROPATHY, PROGRESSIVE SENSORY, OF CHILDREN; ACROOSTEOLYSIS, GIACCAI TYPE. Identifiers: Orphanet 970, MedGen C2752089, MONDO:0024309, OMIM 201300.
Generalized epilepsy with febrile seizures plus, type 7 (GEFSP7). Also called: GEFS+, TYPE 7. Identifiers: Orphanet 36387, MedGen C2751778, MONDO:0013470, OMIM 613863.

Submission:

Labcorp Genetics (formerly Invitae), Labcorp
Classification: Uncertain significance for Neuropathy, hereditary sensory and autonomic, type 2A; Generalized epilepsy with febrile seizures plus, type 7. Last evaluated: 2024-05-16. Review status: criteria provided, single submitter. Criteria: Invitae Variant Classification Sherloc (09022015). Collection method: clinical testing. Allele origin: germline.
Comment: This sequence change replaces aspartic acid, which is acidic and polar, with valine, which is neutral and non-polar, at codon 1703 of the SCN9A protein (p.Asp1703Val). This variant is not present in population databases (gnomAD no frequency). This variant has not been reported in the literature in individuals affected with SCN9A-related conditions. Advanced modeling of protein sequence and biophysical properties (such as structural, functional, and spatial information, amino acid conservation, physicochemical variation, residue mobility, and thermodynamic stability) has been performed at Invitae for this missense variant, however the output from this modeling did not meet the statistical confidence thresholds required to predict the impact of this variant on SCN9A protein function. In summary, the available evidence is currently insufficient to determine the role of this variant in disease. Therefore, it has been classified as a Variant of Uncertain Significance.